The following is an entry in ClinVar:

NM_016525.5(UBAP1):c.768del (p.Ile257fs)

Gene: UBAP1 (ubiquitin associated protein 1; plus strand). Cytogenetic location: 9p13.3.
Variant type: Deletion.
Coding change: c.768del on transcript NM_016525.5 (MANE Select); coding-DNA position 768, one base deleted (T; older notation c.768delT).
Protein change: p.Ile257fs; shifts the reading frame from isoleucine 257.
Molecular consequence: frameshift variant. On other transcripts: non-coding transcript variant (1).
Genome position (GRCh38, 1-based): chr9:34,241,793, T deleted. VCF-style (leftmost placement, unchanged base first): chr9-34241792-CT-C. GRCh37 (hg19) VCF-style: chr9-34241790-CT-C.
Other names: c.768del, p.Ile257fs (NM_001171204.3, NM_001171203.3); c.960del, p.Ile321fs (NM_001171201.1); c.876del, p.Ile293fs (NM_001171202.1); short protein forms I257fs, I293fs, I321fs.
Identifiers: ClinVar variation 4076285 (VCV004076285.1).

ClinVar aggregate classification (germline): Likely pathogenic (1 of 4 stars; one submission).

Conditions:
Spastic paraplegia 80, autosomal dominant. Identifiers: Orphanet 631068, MedGen C5193084, MONDO:0032737, OMIM 618418.

Submission:

Laboratorio de Genetica e Diagnostico Molecular, Hospital Israelita Albert Einstein
Classification: Likely pathogenic for Spastic paraplegia 80, autosomal dominant. Last evaluated: 2024-09-07. Review status: criteria provided, single submitter. Criteria: ACMG Guidelines, 2015. Collection method: clinical testing. Allele origin: germline. Affected: yes.
Comment: ACMG classification criteria: PVS1 very strong, PM2 supporting